The following is an entry in ClinVar:

ClinVar aggregate classification (germline): Pathogenic (1 of 4 stars; one submission).

Conditions:
Mitochondrial trifunctional protein deficiency. Identifiers: Orphanet 746, MedGen C1969443, MONDO:0012172.

Submission:

Labcorp Genetics (formerly Invitae), Labcorp
Classification: Pathogenic for Mitochondrial trifunctional protein deficiency. Last evaluated: 2022-07-20. Review status: criteria provided, single submitter. Criteria: Invitae Variant Classification Sherloc (09022015). Collection method: clinical testing. Allele origin: germline.
Comment: For these reasons, this variant has been classified as Pathogenic. This variant has not been reported in the literature in individuals affected with HADHB-related conditions. This variant is not present in population databases (gnomAD no frequency). This sequence change creates a premature translational stop signal (p.Ser140Leufs*6) in the HADHB gene. It is expected to result in an absent or disrupted protein product. Loss-of-function variants in HADHB are known to be pathogenic (PMID: 9259266, 12754706).

Literature cited by the submitters: PubMed 9259266; PubMed 12754706.

NM_000183.3(HADHB):c.417del (p.Ser140fs)

Gene: HADHB (hydroxyacyl-CoA dehydrogenase trifunctional multienzyme complex subunit beta; plus strand). Cytogenetic location: 2p23.3.
Variant type: Deletion.
Coding change: c.417del on transcript NM_000183.3 (MANE Select); coding-DNA position 417, one base deleted (C; older notation c.417delC).
Protein change: p.Ser140fs; shifts the reading frame from serine 140.
Molecular consequence: frameshift variant.
Genome position (GRCh38, 1-based): chr2:26,277,135, C deleted. VCF-style (leftmost placement, unchanged base first): chr2-26277134-TC-T. GRCh37 (hg19) VCF-style: chr2-26500002-TC-T.
Other names: c.372del, p.Ser125fs (NM_001281512.2); c.351del, p.Ser118fs (NM_001281513.2); short protein forms S140fs, S118fs, S125fs.
Identifiers: ClinVar variation 2135077 (VCV002135077.4), dbSNP rs2465713880, ClinGen allele CA2580066168.